The following is an entry in ClinVar:

NM_000059.4(BRCA2):c.2795A>G (p.Asp932Gly)

Gene: BRCA2 (BRCA2 DNA repair associated; plus strand). Cytogenetic location: 13q13.1.
Variant type: single nucleotide variant.
Coding change: c.2795A>G on transcript NM_000059.4 (MANE Select); coding-DNA position 2795, A replaced by G.
Protein change: p.Asp932Gly; replaces aspartic acid 932 with glycine.
Molecular consequence: missense variant.
Genome position (GRCh38, 1-based): chr13:32,337,150, A>G. VCF-style: chr13-32337150-A-G. GRCh37 (hg19) VCF-style: chr13-32911287-A-G.
Other names: short protein forms D932G.
Identifiers: ClinVar variation 821818 (VCV000821818.6), dbSNP rs879255447, ClinGen allele CA387773734.

ClinVar aggregate classification (germline): Conflicting classifications of pathogenicity. Review status: criteria provided, conflicting classifications (1 of 4 stars). 2 submissions from 2 submitters: Uncertain significance (1); Likely benign (1). Last evaluated 2023-03-23.

Conditions:
Hereditary cancer-predisposing syndrome. Also called: Tumor predisposition; Hereditary Cancer Syndrome; Neoplastic Syndromes, Hereditary; Hereditary neoplastic syndrome. Identifiers: Orphanet 140162, MedGen C0027672, MeSH D009386, MONDO:0015356.

gnomAD v4.1: 2 of 1,613,908 alleles (0.00012%); highest among the groups gnomAD compares: Non-Finnish European, 0.00017%; no homozygotes.

Submissions (2):

University of Washington Department of Laboratory Medicine, University of Washington
Classification: Likely benign for Hereditary cancer-predisposing syndrome. Last evaluated: 2023-03-23. Review status: criteria provided, single submitter. Criteria: Dines et al. (Genet Med. 2020). Collection method: curation. Allele origin: germline.
Comment: Missense variant in a coldspot region where missense variants are very unlikely to be pathogenic (PMID:31911673).

BRCA2 exon 11 coldspot. Reclassification based on statistical prior probability.

Ambry Genetics
Classification: Uncertain significance for Hereditary cancer-predisposing syndrome. Last evaluated: 2018-12-24. Review status: criteria provided, single submitter. Criteria: Ambry Variant Classification Scheme 2023. Collection method: clinical testing. Allele origin: germline.
Comment: The p.D932G variant (also known as c.2795A>G), located in coding exon 10 of the BRCA2 gene, results from an A to G substitution at nucleotide position 2795. The aspartic acid at codon 932 is replaced by glycine, an amino acid with similar properties. This amino acid position is not well conserved in available vertebrate species. In addition, this alteration is predicted to be tolerated by in silico analysis. Since supporting evidence is limited at this time, the clinical significance of this alteration remains unclear.Since supporting evidence is limited at this time, the clinical significance of this alteration remains unclear.